The following is an entry in ClinVar:

NM_022089.4(ATP13A2):c.1870G>A (p.Val624Ile)

Gene: ATP13A2 (ATPase cation transporting 13A2; minus strand). Cytogenetic location: 1p36.13.
Variant type: single nucleotide variant.
Coding change: c.1870G>A on transcript NM_022089.4 (MANE Select); coding-DNA position 1870, G replaced by A.
Protein change: p.Val624Ile; replaces valine 624 with isoleucine.
Molecular consequence: missense variant.
Genome position (GRCh38, 1-based): chr1:16,992,378, C>T on the plus strand (G>A on the coding strand, the complement: ATP13A2 is on the minus strand). VCF-style: chr1-16992378-C-T. GRCh37 (hg19) VCF-style: chr1-17318873-C-T.
Other names: c.1855G>A, p.Val619Ile (NM_001141973.3, NM_001141974.3); short protein forms V619I, V624I.
Identifiers: ClinVar variation 876374 (VCV000876374.17), dbSNP rs368423685, ClinGen allele CA637046.

ClinVar aggregate classification (germline): Conflicting classifications of pathogenicity. Review status: criteria provided, conflicting classifications (1 of 4 stars). 6 submissions from 6 submitters: Uncertain significance (4); Likely benign (2). Last evaluated 2024-10-14.

Conditions:
Kufor-Rakeb syndrome (KRS). Also called: PARKINSON DISEASE 9, AUTOSOMAL RECESSIVE, JUVENILE-ONSET. Identifiers: Orphanet 306674, Orphanet 314632, MedGen C1847640, MONDO:0011706, OMIM 606693.
Autosomal recessive spastic paraplegia type 78. Identifiers: Orphanet 513436, MedGen C5567893, MONDO:0014975, OMIM 617225.
Inborn genetic diseases. Identifiers: MedGen C0950123, MeSH D030342.

Allele frequency attached by ClinVar (database versions not stated): gnomAD 0.00001 and 0.00002; ExAC 0.00004; TOPMed 0.00004; gnomAD exomes 0.00006 and 0.00012; ESP Exome Variant Server 0.00008.
gnomAD v4.1: 177 of 1,613,534 alleles (0.011%); highest among the groups gnomAD compares: Middle Eastern, 0.033%; 1 homozygote.

Submissions (6):

Blueprint Genetics
Classification: Uncertain significance. Last evaluated: 2024-10-14. Review status: criteria provided, single submitter. Criteria: ACMG Guidelines, 2015. Collection method: clinical testing. Allele origin: germline.

Ambry Genetics
Classification: Likely benign for Inborn genetic diseases. Last evaluated: 2023-04-05. Review status: criteria provided, single submitter. Criteria: Ambry Variant Classification Scheme 2023. Collection method: clinical testing. Allele origin: germline.

Labcorp Genetics (formerly Invitae), Labcorp
Classification: Uncertain significance for Kufor-Rakeb syndrome; Autosomal recessive spastic paraplegia type 78. Last evaluated: 2022-07-06. Review status: criteria provided, single submitter. Criteria: Invitae Variant Classification Sherloc (09022015). Collection method: clinical testing. Allele origin: germline.
Comment: This sequence change replaces valine, which is neutral and non-polar, with isoleucine, which is neutral and non-polar, at codon 624 of the ATP13A2 protein (p.Val624Ile). This variant is present in population databases (rs368423685, gnomAD 0.03%). This variant has not been reported in the literature in individuals affected with ATP13A2-related conditions. ClinVar contains an entry for this variant (Variation ID: 876374). Advanced modeling of protein sequence and biophysical properties (such as structural, functional, and spatial information, amino acid conservation, physicochemical variation, residue mobility, and thermodynamic stability) performed at Invitae indicates that this missense variant is not expected to disrupt ATP13A2 protein function. In summary, the available evidence is currently insufficient to determine the role of this variant in disease. Therefore, it has been classified as a Variant of Uncertain Significance.

GeneDx
Classification: Likely benign. Last evaluated: 2020-10-22. Review status: criteria provided, single submitter. Criteria: GeneDx Variant Classification Process June 2021. Collection method: clinical testing. Allele origin: germline. Affected: yes.
Comment: In silico analysis supports that this missense variant does not alter protein structure/function; Has not been previously published as pathogenic or benign to our knowledge

Mayo Clinic Laboratories, Mayo Clinic
Classification: Uncertain significance. Last evaluated: 2019-07-22. Review status: criteria provided, single submitter. Criteria: ACMG Guidelines, 2015. Collection method: clinical testing. Allele origin: germline. Observed: 1 variant allele.

Illumina Laboratory Services, Illumina
Classification: Uncertain significance for Kufor-Rakeb syndrome. Last evaluated: 2018-02-16. Review status: criteria provided, single submitter. Criteria: ICSL Variant Classification Criteria 13 December 2019. Collection method: clinical testing. Allele origin: germline.